The following is an entry in ClinVar:

NM_153033.5(KCTD7):c.485A>T (p.Tyr162Phe)

Gene: KCTD7 (potassium channel tetramerization domain containing 7; plus strand). Cytogenetic location: 7q11.21.
Variant type: single nucleotide variant.
Coding change: c.485A>T on transcript NM_153033.5 (MANE Select); coding-DNA position 485, A replaced by T.
Protein change: p.Tyr162Phe; replaces tyrosine 162 with phenylalanine.
Molecular consequence: missense variant.
Genome position (GRCh38, 1-based): chr7:66,638,423, A>T. VCF-style: chr7-66638423-A-T. GRCh37 (hg19) VCF-style: chr7-66103410-A-T.
Other names: c.485A>T, p.Tyr162Phe (NM_001167961.2); short protein forms Y162F.
Identifiers: ClinVar variation 1450242 (VCV001450242.6), dbSNP rs2116774109, ClinGen allele CA367696538.

ClinVar aggregate classification (germline): Uncertain significance (1 of 4 stars; one submission).

Conditions:
Progressive myoclonic epilepsy type 3. Also called: EPILEPSY, PROGRESSIVE MYOCLONIC, 3, WITH OR WITHOUT INTRACELLULAR INCLUSIONS; CEROID LIPOFUSCINOSIS, NEURONAL, 14; EPILEPSY, PROGRESSIVE MYOCLONIC, 3, WITHOUT INTRACELLULAR INCLUSIONS; KCTD7-Related Progressive Myoclonic Epilepsy. Identifiers: Orphanet 263516, MedGen C2673257, MONDO:0012721, OMIM 611726.

Submission:

Labcorp Genetics (formerly Invitae), Labcorp
Classification: Uncertain significance for Progressive myoclonic epilepsy type 3. Last evaluated: 2021-08-27. Review status: criteria provided, single submitter. Criteria: Invitae Variant Classification Sherloc (09022015). Collection method: clinical testing. Allele origin: germline.
Comment: This sequence change replaces tyrosine with phenylalanine at codon 162 of the KCTD7 protein (p.Tyr162Phe). The tyrosine residue is highly conserved and there is a small physicochemical difference between tyrosine and phenylalanine. This variant is not present in population databases (ExAC no frequency). This variant has not been reported in the literature in individuals affected with KCTD7-related conditions. Algorithms developed to predict the effect of missense changes on protein structure and function are either unavailable or do not agree on the potential impact of this missense change (SIFT: "Deleterious"; PolyPhen-2: "Benign"; Align-GVGD: "Class C0"). In summary, the available evidence is currently insufficient to determine the role of this variant in disease. Therefore, it has been classified as a Variant of Uncertain Significance.